The following is an entry in ClinVar:

ClinVar aggregate classification (germline): Uncertain significance (1 of 4 stars; one submission).

Conditions:
Seizures, benign familial infantile, 3 (BFIS3). Also called: Familial neonatal seizures; CONVULSIONS, BENIGN FAMILIAL INFANTILE, 3. Identifiers: Orphanet 140927, Orphanet 306, MedGen C1843140, MONDO:0011904, OMIM 607745.
Developmental and epileptic encephalopathy, 11 (DEE11). Also called: Early infantile epileptic encephalopathy 11. Identifiers: Orphanet 1934, MedGen C3150987, MONDO:0013388, OMIM 613721.

Allele frequency attached by ClinVar (database versions not stated): gnomAD exomes below 0.00001.
gnomAD v4.1: 1 of 1,570,418 alleles (0.000064%); highest among the groups gnomAD compares: Non-Finnish European, 0.000087%; no homozygotes.

Submission:

Labcorp Genetics (formerly Invitae), Labcorp
Classification: Uncertain significance for Seizures, benign familial infantile, 3; Developmental and epileptic encephalopathy, 11. Last evaluated: 2023-12-08. Review status: criteria provided, single submitter. Criteria: Invitae Variant Classification Sherloc (09022015). Collection method: clinical testing. Allele origin: germline.
Comment: This sequence change replaces phenylalanine, which is neutral and non-polar, with leucine, which is neutral and non-polar, at codon 1483 of the SCN2A protein (p.Phe1483Leu). This variant is not present in population databases (gnomAD no frequency). This variant has not been reported in the literature in individuals affected with SCN2A-related conditions. An algorithm developed to predict the effect of missense changes on protein structure and function (PolyPhen-2) suggests that this variant is likely to be tolerated. In summary, the available evidence is currently insufficient to determine the role of this variant in disease. Therefore, it has been classified as a Variant of Uncertain Significance.

NM_001040142.2(SCN2A):c.4447T>C (p.Phe1483Leu)

Gene: SCN2A (sodium voltage-gated channel alpha subunit 2; plus strand). Cytogenetic location: 2q24.3.
Variant type: single nucleotide variant.
Coding change: c.4447T>C on transcript NM_001040142.2 (MANE Select); coding-DNA position 4447, T replaced by C.
Protein change: p.Phe1483Leu; replaces phenylalanine 1483 with leucine.
Molecular consequence: missense variant.
Genome position (GRCh38, 1-based): chr2:165,381,093, T>C. VCF-style: chr2-165381093-T-C. GRCh37 (hg19) VCF-style: chr2-166237603-T-C.
Other names: c.4447T>C, p.Phe1483Leu (NM_001040143.2, NM_001371246.1, NM_001371247.1 and 1 more transcripts); short protein forms F1483L.
Identifiers: ClinVar variation 2954483 (VCV002954483.3), dbSNP rs2468129314, ClinGen allele CA349034492.